The following is an entry in ClinVar:

NM_005612.5(REST):c.234G>T (p.Pro78=)

Gene: REST (RE1 silencing transcription factor; plus strand). Cytogenetic location: 4q12.
Variant type: single nucleotide variant.
Coding change: c.234G>T on transcript NM_005612.5 (MANE Select); coding-DNA position 234, G replaced by T.
Protein change: p.Pro78=; no amino-acid change (proline 78 retained).
Molecular consequence: synonymous variant.
Genome position (GRCh38, 1-based): chr4:56,910,872, G>T. VCF-style: chr4-56910872-G-T. GRCh37 (hg19) VCF-style: chr4-57777038-G-T.
Other names: p.Pro78=; c.234G>T, p.Pro78= (NM_001193508.2, NM_001363453.3).
Identifiers: ClinVar variation 1165563 (VCV001165563.36), dbSNP rs61748752, ClinGen allele CA2932057.

ClinVar aggregate classification (germline): Benign. Review status: criteria provided, multiple submitters, no conflicts (2 of 4 stars). 5 submissions from 5 submitters: Benign (5). Last evaluated 2026-08-01.

Allele frequency attached by ClinVar (database versions not stated): TOPMed 0.00501; 1000 Genomes Project 30x 0.00531; 1000 Genomes Project 0.00579; ESP Exome Variant Server 0.00661; ExAC 0.01140; gnomAD exomes 0.01283.
gnomAD v4.1: 15,936 of 1,614,090 alleles (0.99%); highest among the groups gnomAD compares: Non-Finnish European, 0.82%; 307 homozygotes.

Submissions (5):

CeGaT Center for Human Genetics Tuebingen
Classification: Benign. Last evaluated: 2026-08-01. Review status: criteria provided, single submitter. Criteria: CeGaT Center For Human Genetics Tuebingen Variant Classification Criteria Version 2. Collection method: clinical testing. Allele origin: germline. Affected: yes. Observed: 50 variant alleles.
Comment: REST: BP4, BP7, BS1, BS2

Labcorp Genetics (formerly Invitae), Labcorp
Classification: Benign. Last evaluated: 2026-02-01. Review status: criteria provided, single submitter. Criteria: Invitae Variant Classification Sherloc (09022015). Collection method: clinical testing. Allele origin: germline.

Mayo Clinic Laboratories, Mayo Clinic
Classification: Benign. Last evaluated: 2021-04-26. Review status: criteria provided, single submitter. Criteria: ACMG Guidelines, 2015. Collection method: clinical testing. Allele origin: germline. Observed: 4 variant alleles.

GeneDx
Classification: Benign. Last evaluated: 2019-05-06. Review status: criteria provided, single submitter. Criteria: GeneDx Variant Classification Process June 2021. Collection method: clinical testing. Allele origin: germline. Affected: yes.

Breakthrough Genomics
Classification: Benign. Review status: criteria provided, single submitter. Criteria: ACMG Guidelines, 2015. Collection method: not provided. Allele origin: germline. Inheritance: Autosomal dominant inheritance. Affected: yes.